The following is an entry in ClinVar:

ClinVar aggregate classification (germline): Uncertain significance (1 of 4 stars; one submission).

gnomAD v4.1: 4 of 1,614,068 alleles (0.00025%); highest among the groups gnomAD compares: Non-Finnish European, 0.00034%; no homozygotes.

Submission:

Labcorp Genetics (formerly Invitae), Labcorp
Classification: Uncertain significance. Last evaluated: 2025-10-01. Review status: criteria provided, single submitter. Criteria: Invitae Variant Classification Sherloc (09022015). Collection method: clinical testing. Allele origin: germline.
Comment: This sequence change replaces histidine, which is basic and polar, with proline, which is neutral and non-polar, at codon 210 of the PGAP3 protein (p.His210Pro). This variant is present in population databases (rs759333907, gnomAD 0.0009%). This variant has not been reported in the literature in individuals affected with PGAP3-related conditions. Invitae Evidence Modeling of protein sequence and biophysical properties (such as structural, functional, and spatial information, amino acid conservation, physicochemical variation, residue mobility, and thermodynamic stability) indicates that this missense variant is expected to disrupt PGAP3 protein function with a positive predictive value of 95%. In summary, the available evidence is currently insufficient to determine the role of this variant in disease. Therefore, it has been classified as a Variant of Uncertain Significance.

NM_033419.5(PGAP3):c.629A>C (p.His210Pro)

Gene: PGAP3 (post-GPI attachment to proteins phospholipase 3; minus strand). Cytogenetic location: 17q12.
Variant type: single nucleotide variant.
Coding change: c.629A>C on transcript NM_033419.5 (MANE Select); coding-DNA position 629, A replaced by C.
Protein change: p.His210Pro; replaces histidine 210 with proline.
Molecular consequence: missense variant. On other transcripts: intron variant (3).
Genome position (GRCh38, 1-based): chr17:39,673,579, T>G on the plus strand (A>C on the coding strand, the complement: PGAP3 is on the minus strand). VCF-style: chr17-39673579-T-G. GRCh37 (hg19) VCF-style: chr17-37829832-T-G.
Other names: c.476A>C, p.His159Pro (NM_001291726.2); c.566A>C, p.His189Pro (NM_001291728.2); c.433-713A>C (NM_001291733.2); c.494+414A>C (NM_001291732.2); c.557+414A>C (NM_001291730.2); short protein forms H189P, H210P, H159P.
Identifiers: ClinVar variation 4747020 (VCV004747020.1).